The following is an entry in ClinVar:

ClinVar aggregate classification (germline): Uncertain significance. Review status: criteria provided, multiple submitters, no conflicts (2 of 4 stars). 4 submissions from 4 submitters: Uncertain significance (3). 1 of the submissions does not count toward it. Last evaluated 2025-06-20.

Conditions:
Beta-thalassemia HBB/LCRB. Identifiers: MedGen CN322236, MONDO:0013517, OMIM 613985.

Allele frequency attached by ClinVar (database versions not stated): gnomAD exomes below 0.00001; TOPMed below 0.00001; gnomAD 0.00001.
gnomAD v4.1: 2 of 1,049,384 alleles (0.00019%); highest among the groups gnomAD compares: African/African-American, 0.0031%; no homozygotes.

Submissions (4):

Quest Diagnostics Nichols Institute San Juan Capistrano
Classification: Uncertain significance. Last evaluated: 2025-06-20. Review status: criteria provided, single submitter. Criteria: Quest Diagnostics criteria. Collection method: clinical testing. Allele origin: unknown.
Comment: The HBB c.*104G>A variant has not been reported in individuals with HBB-related conditions in the published literature. It also has not been reported in large, multi-ethnic general populations (Genome Aggregation Database). Based on the available information, we are unable to determine the clinical significance of this variant.

Women's Health and Genetics/Laboratory Corporation of America, LabCorp
Classification: Uncertain significance. Last evaluated: 2021-08-24. Review status: criteria provided, single submitter. Criteria: LabCorp Variant Classification Summary - May 2015. Collection method: clinical testing. Allele origin: germline.
Comment: Variant summary: HBB c.*104G>A is located in the untranslated mRNA region downstream of the termination codon. The variant lies four nucleotides upstream to the 'known' polyA tail signal, thus it may interfere with cleavage of the transcript and addition of polyA tail. The variant was absent in 31372 control chromosomes (gnomAD). The available data on variant occurrences in the general population are insufficient to allow any conclusion about variant significance. To our knowledge, no occurrence of c.*104G>A in individuals affected with Hemoglobinopathy and no experimental evidence demonstrating its impact on protein function have been reported. A ClinVar submitter (evaluation after 2014) cites the variant as uncertain significance. Based on the evidence outlined above, the variant was classified as uncertain significance.

ARUP Laboratories, Molecular Genetics and Genomics, ARUP Laboratories
Classification: Uncertain significance. Last evaluated: 2017-10-19. Review status: criteria provided, single submitter. Criteria: ARUP Molecular Germline Variant Investigation Process. Collection method: clinical testing. Allele origin: germline.

Department of Medical Genomics, Royal Prince Alfred Hospital
Classification: Likely benign for Beta-thalassemia HBB/LCRB. Last evaluated: 2024-03-12. Review status: no assertion criteria provided. Collection method: clinical testing. Allele origin: germline. Inheritance: Autosomal dominant inheritance. Affected: yes. Not counted in ClinVar's aggregate classification.

NM_000518.5(HBB):c.*104G>A

Genes: HBB (hemoglobin subunit beta; minus strand), LOC107133510 (origin of replication at HBB; plus strand), LOC110006319 (beta-globin gene 3' regulatory region; plus strand). Cytogenetic location: 11p15.4.
Variant type: single nucleotide variant.
Coding change: c.*104G>A on transcript NM_000518.5 (MANE Select); 104 bases downstream of the stop codon, G replaced by A.
Molecular consequence: 3 prime UTR variant.
Genome position (GRCh38, 1-based): chr11:5,225,494, C>T on the plus strand (G>A on the coding strand, the complement: HBB is on the minus strand). VCF-style: chr11-5225494-C-T. GRCh37 (hg19) VCF-style: chr11-5246724-C-T.
Identifiers: ClinVar variation 618161 (VCV000618161.12), dbSNP rs1564873881, ClinGen allele CA913190227.